The following is an entry in ClinVar:

NM_004260.4(RECQL4):c.988_1004del (p.Ala330fs)

Gene: RECQL4 (RecQ like helicase 4; minus strand). Cytogenetic location: 8q24.3.
Variant type: Deletion.
Coding change: c.988_1004del on transcript NM_004260.4 (MANE Select); coding-DNA positions 988 to 1004, 17 bases deleted (GCTGGGAAGGCTGAGGG).
Protein change: p.Ala330fs; shifts the reading frame from alanine 330.
Molecular consequence: frameshift variant.
Genome position (GRCh38, 1-based): chr8:144,516,115-144,516,131, CCCTCAGCCTTCCCAGC deleted on the plus strand (GCTGGGAAGGCTGAGGG on the coding strand, the reverse complement: RECQL4 is on the minus strand); deleting any 17 consecutive bases within chr8:144,516,115-144,516,133 gives the same sequence; the c. name uses the placement nearest the transcript's 3' end. VCF-style (leftmost placement, unchanged base first): chr8-144516114-GCCCTCAGCCTTCCCAGC-G. GRCh37 (hg19) VCF-style: chr8-145741498-GCCCTCAGCCTTCCCAGC-G.
Other names: short protein forms A330fs.
Identifiers: ClinVar variation 1070691 (VCV001070691.5), dbSNP rs2130718160, ClinGen allele CA2499219195.

ClinVar aggregate classification (germline): Pathogenic (1 of 4 stars; one submission).

Conditions:
Baller-Gerold syndrome (BGS). Also called: CRANIOSYNOSTOSIS WITH RADIAL DEFECTS. Identifiers: Orphanet 1225, MedGen C0265308, MONDO:0009039, OMIM 218600.

Submission:

Labcorp Genetics (formerly Invitae), Labcorp
Classification: Pathogenic for Baller-Gerold syndrome. Last evaluated: 2020-08-20. Review status: criteria provided, single submitter. Criteria: Invitae Variant Classification Sherloc (09022015). Collection method: clinical testing. Allele origin: germline.
Comment: This sequence change creates a premature translational stop signal (p.Ala330Hisfs*14) in the RECQL4 gene. It is expected to result in an absent or disrupted protein product. This variant is not present in population databases (ExAC no frequency). This variant has not been reported in the literature in individuals with RECQL4-related conditions. Loss-of-function variants in RECQL4 are known to be pathogenic (PMID: 12734318, 12952869). For these reasons, this variant has been classified as Pathogenic.

Literature cited by the submitters: PubMed 12734318; PubMed 12952869.